The following is an entry in ClinVar:

ClinVar aggregate classification (germline): Benign (1 of 4 stars; one submission).

Allele frequency attached by ClinVar (database versions not stated): ESP Exome Variant Server 0.27903; gnomAD exomes 0.28417; gnomAD 0.28622 and 0.29308; ExAC 0.28708; TOPMed 0.29692; 1000 Genomes Project 30x 0.39288; 1000 Genomes Project 0.40116.
gnomAD v4.1: 424,051 of 1,610,732 alleles (26%); highest among the groups gnomAD compares: East Asian, 68%; 62,083 homozygotes.

Submission:

GeneDx
Classification: Benign. Last evaluated: 2018-06-14. Review status: criteria provided, single submitter. Criteria: GeneDx Variant Classification (06012015). Collection method: clinical testing. Allele origin: germline. Affected: yes.
Comment: This variant is considered likely benign or benign based on one or more of the following criteria: it is a conservative change, it occurs at a poorly conserved position in the protein, it is predicted to be benign by multiple in silico algorithms, and/or has population frequency not consistent with disease.

NM_080680.3(COL11A2):c.2268+37T>C

Gene: COL11A2 (collagen type XI alpha 2 chain; minus strand). Cytogenetic location: 6p21.32.
Variant type: single nucleotide variant.
Coding change: c.2268+37T>C on transcript NM_080680.3 (MANE Select); 37 bases into the intron after coding-DNA position 2268, T replaced by C.
Molecular consequence: intron variant.
Genome position (GRCh38, 1-based): chr6:33,175,979, A>G on the plus strand (T>C on the coding strand, the complement: COL11A2 is on the minus strand). VCF-style: chr6-33175979-A-G. GRCh37 (hg19) VCF-style: chr6-33143756-A-G.
Other names: c.1947+37T>C (NM_080679.3); c.2010+37T>C (NM_080681.3).
Identifiers: ClinVar variation 674769 (VCV000674769.1), dbSNP rs2071025, ClinGen allele CA3750968.